The following is an entry in ClinVar:

ClinVar aggregate classification (germline): Pathogenic/Likely pathogenic. Review status: criteria provided, multiple submitters, no conflicts (2 of 4 stars). 4 submissions from 4 submitters: Pathogenic (3); Likely pathogenic (1). Last evaluated 2024-09-03.

Conditions:
Joubert syndrome 5 (JBTS5). Identifiers: Orphanet 2318, MedGen C1857780, MONDO:0012432, OMIM 610188.
Leber congenital amaurosis 10 (LCA10). Identifiers: Orphanet 65, MedGen C1857821, MONDO:0012723, OMIM 611755.
Senior-Loken syndrome 6 (SLSN6). Identifiers: Orphanet 3156, MedGen C1857779, MONDO:0012433, OMIM 610189.
Bardet-Biedl syndrome 14 (BBS14). Identifiers: Orphanet 110, MedGen C2673874, MONDO:0014442, OMIM 615991.
Meckel syndrome, type 4 (MKS4). Also called: MECKEL-GRUBER SYNDROME, TYPE 4. Identifiers: Orphanet 564, MedGen C1970161, MONDO:0012626, OMIM 611134.
Leber congenital amaurosis (LCA). Also called: Leber's amaurosis. Identifiers: Orphanet 65, MedGen C0339527, MeSH D057130, MONDO:0018998.
Nephronophthisis. Also called: Juvenile Nephronophthisis. Identifiers: Orphanet 655, MedGen C0687120, MONDO:0019005, HP:0000090.
Meckel-Gruber syndrome. Also called: DYSENCEPHALIA SPLANCHNOCYSTICA; GRUBER SYNDROME; Dysencephalia splachnocystica. Identifiers: Orphanet 564, MedGen C0265215, MONDO:0018921.
Joubert syndrome. Also called: CEREBELLOPARENCHYMAL DISORDER IV; JOUBERT-BOLTSHAUSER SYNDROME; Familial aplasia of the vermis. Identifiers: Orphanet 475, MedGen C5979921, MONDO:0018772.

Submissions (4):

Natera, Inc.
Classification: Pathogenic for Leber congenital amaurosis. Last evaluated: 2024-09-03. Review status: criteria provided, single submitter. Criteria: Natera Variant Classification Schema (03/2026). Collection method: clinical testing. Allele origin: germline.
Comment: The c.5972del variant in CEP290 is a frameshift variant predicted to shift the reading frame beginning at codon 1991 and leads to a stop codon 6 codons downstream. This variant is expected to result in nonsense mediated decay, truncation, or a dysfunctional protein product. This variant is rare in the general population with a frequency below the threshold expected for the associated phenotype(s). This variant has been observed in one or more individuals affected with the associated recessive disease, as either homozygous or compound heterozygous with a second variant (PMID: 36918699, 36990420). Given the available evidence, this variant is classified as Pathogenic.

Baylor Genetics
Classification: Likely pathogenic for Bardet-Biedl syndrome 14. Last evaluated: 2023-12-29. Review status: criteria provided, single submitter. Criteria: ACMG Guidelines, 2015. Collection method: clinical testing. Allele origin: unknown.

Labcorp Genetics (formerly Invitae), Labcorp
Classification: Pathogenic for Joubert syndrome; Meckel-Gruber syndrome; Nephronophthisis. Last evaluated: 2023-05-26. Review status: criteria provided, single submitter. Criteria: Invitae Variant Classification Sherloc (09022015). Collection method: clinical testing. Allele origin: germline.
Comment: For these reasons, this variant has been classified as Pathogenic. ClinVar contains an entry for this variant (Variation ID: 1449848). This variant has not been reported in the literature in individuals affected with CEP290-related conditions. This variant is present in population databases (no rsID available, gnomAD 0.006%). This sequence change creates a premature translational stop signal (p.Lys1991Argfs*6) in the CEP290 gene. It is expected to result in an absent or disrupted protein product. Loss-of-function variants in CEP290 are known to be pathogenic (PMID: 16909394, 17345604, 20690115).

Juno Genomics, Hangzhou Juno Genomics, Inc
Classification: Pathogenic for Bardet-Biedl syndrome 14; Joubert syndrome 5; Leber congenital amaurosis 10; Meckel syndrome, type 4; Senior-Loken syndrome 6. Review status: criteria provided, single submitter. Criteria: ACMG Guidelines, 2015. Collection method: clinical testing. Allele origin: germline. Affected: yes.
Comment: Absent from controls (or at extremely low frequency if recessive) in Genome Aggregation Database, Exome Sequencing Project, 1000 Genomes Project, or Exome Aggregation Consortium.;Null variant in a gene where loss of function (LOF) is a known mechanism of disease.;For recessive disorders, detected in trans with a pathogenic variant.

Literature cited by the submitters: PubMed 36918699 (cited by Natera, Inc.); PubMed 36990420 (cited by Natera, Inc.); PubMed 16909394 (cited by Labcorp Genetics (formerly Invitae), Labcorp); PubMed 17345604 (cited by Labcorp Genetics (formerly Invitae), Labcorp); PubMed 20690115 (cited by Labcorp Genetics (formerly Invitae), Labcorp).

NM_025114.4(CEP290):c.5972del (p.Lys1991fs)

Gene: CEP290 (centrosomal protein 290; minus strand). Cytogenetic location: 12q21.32.
Variant type: Deletion.
Coding change: c.5972del on transcript NM_025114.4 (MANE Select); coding-DNA position 5972, one base deleted (A; older notation c.5972delA).
Protein change: p.Lys1991fs; shifts the reading frame from lysine 1991.
Molecular consequence: frameshift variant.
Genome position (GRCh38, 1-based): chr12:88,071,333, T deleted on the plus strand (A on the coding strand, the reverse complement: CEP290 is on the minus strand); the first of 6 consecutive T bases (chr12:88,071,333-88,071,338); deleting any one gives the same sequence. VCF-style (leftmost placement, unchanged base first): chr12-88071332-CT-C. GRCh37 (hg19) VCF-style: chr12-88465109-CT-C.
Other names: c.5972del (NM_025114.3); short protein forms K1991fs.
Identifiers: ClinVar variation 1449848 (VCV001449848.10), dbSNP rs1468269366, ClinGen allele CA606452792.